The following is an entry in ClinVar:

NM_001567.4(INPPL1):c.2918C>T (p.Ala973Val)

Gene: INPPL1 (inositol polyphosphate phosphatase like 1; plus strand). Cytogenetic location: 11q13.4.
Variant type: single nucleotide variant.
Coding change: c.2918C>T on transcript NM_001567.4 (MANE Select); coding-DNA position 2918, C replaced by T.
Protein change: p.Ala973Val; replaces alanine 973 with valine.
Molecular consequence: missense variant.
Genome position (GRCh38, 1-based): chr11:72,237,162, C>T. VCF-style: chr11-72237162-C-T. GRCh37 (hg19) VCF-style: chr11-71948206-C-T.
Other names: c.2918C>T (NM_001567.3); short protein forms A973V.
Identifiers: ClinVar variation 1473686 (VCV001473686.5), dbSNP rs753171921, ClinGen allele CA6170516.

ClinVar aggregate classification (germline): Conflicting classifications of pathogenicity. Review status: criteria provided, conflicting classifications (1 of 4 stars). 3 submissions from 3 submitters: Uncertain significance (1); Likely benign (2). Last evaluated 2023-07-06.

Conditions:
Inborn genetic diseases. Identifiers: MedGen C0950123, MeSH D030342.

Allele frequency attached by ClinVar (database versions not stated): ExAC 0.00002; gnomAD exomes 0.00003 and 0.00018; TOPMed 0.00008; gnomAD 0.00009.
gnomAD v4.1: 263 of 1,600,242 alleles (0.016%); highest among the groups gnomAD compares: Non-Finnish European, 0.021%; no homozygotes.

Submissions (3):

Blueprint Genetics
Classification: Likely benign. Last evaluated: 2023-07-06. Review status: criteria provided, single submitter. Criteria: ACMG Guidelines, 2015. Collection method: clinical testing. Allele origin: germline.

Ambry Genetics
Classification: Likely benign for Inborn genetic diseases. Last evaluated: 2022-09-28. Review status: criteria provided, single submitter. Criteria: Ambry Variant Classification Scheme 2023. Collection method: clinical testing. Allele origin: germline.

Labcorp Genetics (formerly Invitae), Labcorp
Classification: Uncertain significance. Last evaluated: 2022-06-14. Review status: criteria provided, single submitter. Criteria: Invitae Variant Classification Sherloc (09022015). Collection method: clinical testing. Allele origin: germline.
Comment: This sequence change replaces alanine, which is neutral and non-polar, with valine, which is neutral and non-polar, at codon 973 of the INPPL1 protein (p.Ala973Val). This variant is present in population databases (rs753171921, gnomAD 0.007%). This variant has not been reported in the literature in individuals affected with INPPL1-related conditions. Algorithms developed to predict the effect of missense changes on protein structure and function output the following: SIFT: "Tolerated"; PolyPhen-2: "Benign"; Align-GVGD: "Class C0". The valine amino acid residue is found in multiple mammalian species, which suggests that this missense change does not adversely affect protein function. In summary, the available evidence is currently insufficient to determine the role of this variant in disease. Therefore, it has been classified as a Variant of Uncertain Significance.